The following is an entry in ClinVar:

NM_032578.4(MYPN):c.3738G>T (p.Leu1246Phe)

Gene: MYPN (myopalladin; plus strand). Cytogenetic location: 10q21.3.
Variant type: single nucleotide variant.
Coding change: c.3738G>T on transcript NM_032578.4 (MANE Select); coding-DNA position 3738, G replaced by T.
Protein change: p.Leu1246Phe; replaces leucine 1246 with phenylalanine.
Molecular consequence: missense variant. On other transcripts: non-coding transcript variant (2).
Genome position (GRCh38, 1-based): chr10:68,206,848, G>T. VCF-style: chr10-68206848-G-T. GRCh37 (hg19) VCF-style: chr10-69966605-G-T.
Other names: c.3738G>T, p.Leu1246Phe (NM_001256267.2); c.2856G>T, p.Leu952Phe (NM_001256268.2); c.3738G>T (NM_032578.2); short protein forms L1246F, L952F.
Identifiers: ClinVar variation 2153106 (VCV002153106.2), dbSNP rs777033322, ClinGen allele CA5523136.

ClinVar aggregate classification (germline): Uncertain significance. Review status: criteria provided, multiple submitters, no conflicts (2 of 4 stars). 2 submissions from 2 submitters: Uncertain significance (2). Last evaluated 2025-09-17.

Conditions:
Cardiovascular phenotype. Identifiers: MedGen CN230736.
Dilated cardiomyopathy 1KK (CMD1KK). Identifiers: Orphanet 154, Orphanet 75249, MedGen C3714995, MONDO:0014100, OMIM 615248.

Allele frequency attached by ClinVar (database versions not stated): ExAC 0.00001.
gnomAD v4.1: 4 of 1,614,104 alleles (0.00025%); highest among the groups gnomAD compares: African/African-American, 0.0053%; no homozygotes.

Submissions (2):

Ambry Genetics
Classification: Uncertain significance for Cardiovascular phenotype. Last evaluated: 2025-09-17. Review status: criteria provided, single submitter. Criteria: Ambry Variant Classification Scheme 2023. Collection method: clinical testing. Allele origin: germline.
Comment: The p.L1246F variant (also known as c.3738G>T), located in coding exon 18 of the MYPN gene, results from a G to T substitution at nucleotide position 3738. The leucine at codon 1246 is replaced by phenylalanine, an amino acid with highly similar properties. This amino acid position is conserved. In addition, the in silico prediction for this alteration is inconclusive. Based on the available evidence, the clinical significance of this variant remains unclear.

Labcorp Genetics (formerly Invitae), Labcorp
Classification: Uncertain significance for Dilated cardiomyopathy 1KK. Last evaluated: 2022-05-26. Review status: criteria provided, single submitter. Criteria: Invitae Variant Classification Sherloc (09022015). Collection method: clinical testing. Allele origin: germline.
Comment: This sequence change replaces leucine, which is neutral and non-polar, with phenylalanine, which is neutral and non-polar, at codon 1246 of the MYPN protein (p.Leu1246Phe). This variant is present in population databases (rs777033322, gnomAD 0.01%). This variant has not been reported in the literature in individuals affected with MYPN-related conditions. Algorithms developed to predict the effect of missense changes on protein structure and function are either unavailable or do not agree on the potential impact of this missense change (SIFT: "Tolerated"; PolyPhen-2: "Probably Damaging"; Align-GVGD: "Class C0"). In summary, the available evidence is currently insufficient to determine the role of this variant in disease. Therefore, it has been classified as a Variant of Uncertain Significance.